The following is an entry in ClinVar:

NM_016286.4(DCXR):c.583del (p.His195fs)

Gene: DCXR (dicarbonyl and L-xylulose reductase; minus strand). Cytogenetic location: 17q25.3.
Variant type: Deletion.
Coding change: c.583del on transcript NM_016286.4 (MANE Select); coding-DNA position 583, one base deleted (C; older notation c.583delC).
Protein change: p.His195fs; shifts the reading frame from histidine 195.
Molecular consequence: frameshift variant.
Genome position (GRCh38, 1-based): chr17:82,036,239, G deleted on the plus strand (C on the coding strand, the reverse complement: DCXR is on the minus strand); the first of 5 consecutive G bases (chr17:82,036,239-82,036,243); deleting any one gives the same sequence. VCF-style (leftmost placement, unchanged base first): chr17-82036238-TG-T. GRCh37 (hg19) VCF-style: chr17-79994114-TG-T.
Other names: c.577del, p.His193fs (NM_001195218.1); short protein forms H193fs, H195fs.
Identifiers: ClinVar variation 101054 (VCV000101054.2), dbSNP rs747887427, ClinGen allele CA8848578.

ClinVar aggregate classification (germline): Pathogenic; Affects. Review status: no assertion criteria provided (0 of 4 stars). 2 submissions from 2 submitters: Pathogenic (1). Last evaluated 2024-03-23.

Conditions:
Essential pentosuria (PNTSU). Also called: XYLITOL DEHYDROGENASE DEFICIENCY; Pentosuria; L-XYLULOSE REDUCTASE DEFICIENCY; L-XYLULOSURIA. Identifiers: Orphanet 2843, MedGen C0268162, MONDO:0009846, OMIM 260800.
DCXR-related disorder. Also called: DCXR-related condition.

Submissions (2):

PreventionGenetics, part of Exact Sciences
Classification: Pathogenic for DCXR-related condition. Last evaluated: 2024-03-23. Review status: no assertion criteria provided. Collection method: clinical testing. Allele origin: germline.
Comment: The DCXR c.583delC variant is predicted to result in a frameshift and premature protein termination (p.His195Thrfs*7). This variant has been reported in the homozygous or compound heterozygous state in individuals with biochemically confirmed pentosuria (Pierce et al. 2011. PubMed ID: 22042873). This variant is reported in 2.1% of alleles in individuals of Ashkenazi Jewish descent in gnomAD, which is consistent with high reported frequency of this trait in individuals of Ashkenazi Jewish descent (Pierce et al. 2011. PubMed ID: 22042873). This variant is interpreted as pathogenic. Of note, pentosuria is characterized by increased urinary excretion of L-xyluloseconsidered and is considered a benign trait (OMIM: #260800; Pierce et al. 2011. PubMed ID: 22042873).

OMIM
Classification: Affects for PENTOSURIA. Last evaluated: 2011-11-08. Review status: no assertion criteria provided. Collection method: literature only. Allele origin: germline.

Literature cited by the submitters: PubMed 22042873 (cited by OMIM).